The following is an entry in ClinVar:

NM_024422.6(DSC2):c.2096C>T (p.Ala699Val)

Gene: DSC2 (desmocollin 2; minus strand). Cytogenetic location: 18q12.1.
Variant type: single nucleotide variant.
Coding change: c.2096C>T on transcript NM_024422.6 (MANE Select); coding-DNA position 2096, C replaced by T.
Protein change: p.Ala699Val; replaces alanine 699 with valine.
Molecular consequence: missense variant.
Genome position (GRCh38, 1-based): chr18:31,071,634, G>A on the plus strand (C>T on the coding strand, the complement: DSC2 is on the minus strand). VCF-style: chr18-31071634-G-A. GRCh37 (hg19) VCF-style: chr18-28651600-G-A.
Other names: c.2096C>T, p.Ala699Val (NM_004949.5); short protein forms A699V.
Identifiers: ClinVar variation 1171136 (VCV001171136.8), dbSNP rs2144790608, ClinGen allele CA402112793.

ClinVar aggregate classification (germline): Uncertain significance. Review status: criteria provided, multiple submitters, no conflicts (2 of 4 stars). 3 submissions from 3 submitters: Uncertain significance (3). Last evaluated 2025-09-15.

Conditions:
Cardiovascular phenotype. Identifiers: MedGen CN230736.
Arrhythmogenic right ventricular dysplasia 11. Also called: Arrhythmogenic Right Ventricular Dysplasia/Cardiomyopathy11; ARRHYTHMOGENIC RIGHT VENTRICULAR DYSPLASIA, FAMILIAL, 11; Arrhythmogenic right ventricular dysplasia 11 with mild palmoplantar keratoderma and woolly hair. Identifiers: MedGen C1864850, MONDO:0012506, OMIM 610476.
Cardiomyopathy (CMYO). Also called: Cardiomyopathies. Identifiers: Orphanet 167848, MedGen C0878544, MONDO:0004994, HP:0001638. Inheritance: Various modes of inheritance.

Allele frequency attached by ClinVar (database versions not stated): gnomAD exomes below 0.00001.
gnomAD v4.1: 2 of 1,614,026 alleles (0.00012%); highest among the groups gnomAD compares: Non-Finnish European, 0.00017%; no homozygotes.

Submissions (3):

Labcorp Genetics (formerly Invitae), Labcorp
Classification: Uncertain significance for Arrhythmogenic right ventricular dysplasia 11. Last evaluated: 2025-09-15. Review status: criteria provided, single submitter. Criteria: Invitae Variant Classification Sherloc (09022015). Collection method: clinical testing. Allele origin: germline.
Comment: This sequence change replaces alanine, which is neutral and non-polar, with valine, which is neutral and non-polar, at codon 699 of the DSC2 protein (p.Ala699Val). This variant is not present in population databases (gnomAD no frequency). This variant has not been reported in the literature in individuals affected with DSC2-related conditions. ClinVar contains an entry for this variant (Variation ID: 1171136). Invitae Evidence Modeling of protein sequence and biophysical properties (such as structural, functional, and spatial information, amino acid conservation, physicochemical variation, residue mobility, and thermodynamic stability) has been performed for this missense variant. However, the output from this modeling did not meet the statistical confidence thresholds required to predict the impact of this variant on DSC2 protein function. In summary, the available evidence is currently insufficient to determine the role of this variant in disease. Therefore, it has been classified as a Variant of Uncertain Significance.

Ambry Genetics
Classification: Uncertain significance for Cardiovascular phenotype. Last evaluated: 2025-03-09. Review status: criteria provided, single submitter. Criteria: Ambry Variant Classification Scheme 2023. Collection method: clinical testing. Allele origin: germline.
Comment: The p.A699V variant (also known as c.2096C>T), located in coding exon 13 of the DSC2 gene, results from a C to T substitution at nucleotide position 2096. The alanine at codon 699 is replaced by valine, an amino acid with similar properties. This amino acid position is conserved. In addition, the in silico prediction for this alteration is inconclusive. Based on the available evidence, the clinical significance of this variant remains unclear.

Color Diagnostics, LLC DBA Color Health
Classification: Uncertain significance for Cardiomyopathy. Last evaluated: 2024-03-06. Review status: criteria provided, single submitter. Criteria: ACMG Guidelines, 2015. Collection method: clinical testing. Allele origin: germline.
Comment: This missense variant replaces alanine with valine at codon 699 of the DSC2 protein. Computational prediction suggests that this variant may not impact protein structure and function (internally defined REVEL score threshold <= 0.5, PMID: 27666373). To our knowledge, functional studies have not been reported for this variant. This variant has not been reported in individuals affected with cardiovascular disorders in the literature. This variant has not been identified in the general population by the Genome Aggregation Database (gnomAD). The available evidence is insufficient to determine the role of this variant in disease conclusively. Therefore, this variant is classified as a Variant of Uncertain Significance.